The following is an entry in ClinVar:

NM_001194998.2(CEP152):c.2594G>A (p.Arg865Gln)

Gene: CEP152 (centrosomal protein 152; minus strand). Cytogenetic location: 15q21.1.
Variant type: single nucleotide variant.
Coding change: c.2594G>A on transcript NM_001194998.2 (MANE Select); coding-DNA position 2594, G replaced by A.
Protein change: p.Arg865Gln; replaces arginine 865 with glutamine.
Molecular consequence: missense variant.
Genome position (GRCh38, 1-based): chr15:48,760,235, C>T on the plus strand (G>A on the coding strand, the complement: CEP152 is on the minus strand). VCF-style: chr15-48760235-C-T. GRCh37 (hg19) VCF-style: chr15-49052432-C-T.
Other names: c.2594G>A, p.Arg865Gln (NM_014985.4); short protein forms R865Q.
Identifiers: ClinVar variation 3253436 (VCV003253436.2), dbSNP rs761884109.

ClinVar aggregate classification (germline): Uncertain significance. Review status: criteria provided, multiple submitters, no conflicts (2 of 4 stars). 2 submissions from 2 submitters: Uncertain significance (2). Last evaluated 2025-12-04.

Conditions:
Inborn genetic diseases. Identifiers: MedGen C0950123, MeSH D030342.

Allele frequency attached by ClinVar (database versions not stated): ExAC 0.00001; gnomAD exomes below 0.00001.
gnomAD v4.1: 4 of 1,613,978 alleles (0.00025%); highest among the groups gnomAD compares: Middle Eastern, 0.016%; no homozygotes.

Submissions (2):

Ambry Genetics
Classification: Uncertain significance for Inborn genetic diseases. Last evaluated: 2025-12-04. Review status: criteria provided, single submitter. Criteria: Ambry Variant Classification Scheme 2023. Collection method: clinical testing. Allele origin: germline.

GeneDx
Classification: Uncertain significance. Last evaluated: 2023-06-16. Review status: criteria provided, single submitter. Criteria: GeneDx Variant Classification Process June 2021. Collection method: clinical testing. Allele origin: germline. Affected: yes.
Comment: Not observed at significant frequency in large population cohorts (gnomAD); In silico analysis supports that this missense variant does not alter protein structure/function; Has not been previously published as pathogenic or benign to our knowledge